The following is an entry in ClinVar:

ClinVar aggregate classification (germline): Uncertain significance. Review status: criteria provided, multiple submitters, no conflicts (2 of 4 stars). 2 submissions from 2 submitters: Uncertain significance (2). Last evaluated 2024-10-14.

Allele frequency attached by ClinVar (database versions not stated): TOPMed below 0.00001; gnomAD 0.00001; gnomAD exomes 0.00001.
gnomAD v4.1: 13 of 1,613,858 alleles (0.00081%); highest among the groups gnomAD compares: South Asian, 0.0022%; no homozygotes.

Submissions (2):

Labcorp Genetics (formerly Invitae), Labcorp
Classification: Uncertain significance. Last evaluated: 2024-10-14. Review status: criteria provided, single submitter. Criteria: Invitae Variant Classification Sherloc (09022015). Collection method: clinical testing. Allele origin: germline.
Comment: This sequence change replaces arginine, which is basic and polar, with cysteine, which is neutral and slightly polar, at codon 745 of the FCHO1 protein (p.Arg745Cys). This variant is present in population databases (rs772533231, gnomAD 0.003%). This variant has not been reported in the literature in individuals affected with FCHO1-related conditions. ClinVar contains an entry for this variant (Variation ID: 1706290). An algorithm developed to predict the effect of missense changes on protein structure and function (PolyPhen-2) suggests that this variant is likely to be disruptive. In summary, the available evidence is currently insufficient to determine the role of this variant in disease. Therefore, it has been classified as a Variant of Uncertain Significance.

GeneDx
Classification: Uncertain significance. Last evaluated: 2022-03-14. Review status: criteria provided, single submitter. Criteria: GeneDx Variant Classification Process June 2021. Collection method: clinical testing. Allele origin: germline. Affected: yes.
Comment: In silico analysis supports that this missense variant does not alter protein structure/function; Has not been previously published as pathogenic or benign to our knowledge

NM_015122.3(FCHO1):c.2233C>T (p.Arg745Cys)

Gene: FCHO1 (FCH and mu domain containing endocytic adaptor 1; plus strand). Cytogenetic location: 19p13.11.
Variant type: single nucleotide variant.
Coding change: c.2233C>T on transcript NM_015122.3 (MANE Select); coding-DNA position 2233, C replaced by T.
Protein change: p.Arg745Cys; replaces arginine 745 with cysteine.
Molecular consequence: missense variant. On other transcripts: non-coding transcript variant (35), intron variant (6).
Genome position (GRCh38, 1-based): chr19:17,784,731, C>T. VCF-style: chr19-17784731-C-T. GRCh37 (hg19) VCF-style: chr19-17895540-C-T.
Other names: c.2233C>T, p.Arg745Cys (NM_001161357.2, NM_001161358.2, NM_001384370.1 and 11 more transcripts); c.2083C>T, p.Arg695Cys (NM_001161359.2, NM_001384384.1, NM_001384385.1 and 1 more transcripts); c.2194C>T, p.Arg732Cys (NM_001384388.1, NM_001384389.1); c.2158C>T, p.Arg720Cys (NM_001384390.1); c.2116C>T, p.Arg706Cys (NM_001384392.1, NM_001384393.1, NM_001384394.1 and 1 more transcripts); c.1957C>T, p.Arg653Cys (NM_001384396.1, NM_001384397.1, NM_001384398.1 and 4 more transcripts); c.1912C>T, p.Arg638Cys (NM_001384403.1); c.1950+496C>T (NM_001384404.1); and 5 more; short protein forms R638C, R653C, R695C, R706C, R720C, R732C, R745C.
Identifiers: ClinVar variation 1706290 (VCV001706290.6), dbSNP rs772533231, ClinGen allele CA9300818.